The following is an entry in ClinVar:

ClinVar aggregate classification (germline): Benign. Review status: criteria provided, multiple submitters, no conflicts (2 of 4 stars). 2 submissions from 2 submitters: Benign (2). Last evaluated 2018-06-15.

Allele frequency attached by ClinVar (database versions not stated): gnomAD 0.16205 and 0.16605; gnomAD exomes 0.16348; TOPMed 0.17594; 1000 Genomes Project 30x 0.24188; 1000 Genomes Project 0.24401.
gnomAD v4.1: 258,247 of 1,572,786 alleles (16%); highest among the groups gnomAD compares: East Asian, 44%; 23,713 homozygotes.

Submissions (2):

GeneDx
Classification: Benign. Last evaluated: 2018-06-15. Review status: criteria provided, single submitter. Criteria: GeneDx Variant Classification (06012015). Collection method: clinical testing. Allele origin: germline. Affected: yes.
Comment: This variant is considered likely benign or benign based on one or more of the following criteria: it is a conservative change, it occurs at a poorly conserved position in the protein, it is predicted to be benign by multiple in silico algorithms, and/or has population frequency not consistent with disease.

Breakthrough Genomics
Classification: Benign. Review status: criteria provided, single submitter. Criteria: ACMG Guidelines, 2015. Collection method: not provided. Allele origin: germline. Inheritance: Autosomal recessive inheritance. Affected: yes.

NM_001267550.2(TTN):c.25352-53G>A

Gene: TTN (titin; minus strand). Cytogenetic location: 2q31.2.
Variant type: single nucleotide variant.
Coding change: c.25352-53G>A on transcript NM_001267550.2 (MANE Select); 53 bases into the intron before coding-DNA position 25352, G replaced by A.
Molecular consequence: intron variant.
Genome position (GRCh38, 1-based): chr2:178,717,435, C>T on the plus strand (G>A on the coding strand, the complement: TTN is on the minus strand). VCF-style: chr2-178717435-C-T. GRCh37 (hg19) VCF-style: chr2-179582162-C-T.
Other names: c.13282+20647G>A (NM_003319.4); c.13858+20647G>A (NM_133437.4); c.13657+20647G>A (NM_133432.3); c.21620-53G>A (NM_133378.4); c.24401-53G>A (NM_001256850.1).
Identifiers: ClinVar variation 671416 (VCV000671416.2), dbSNP rs62178977, ClinGen allele CA15224553.
Genomic context (GRCh38, chr2:178,717,435, plus strand): 5'-TTCATGCTCTGAAAAGAATGAAGACCAACATGGTGATTTTTATTTCCATGCTCTCACATA[C>T]AGAGCAGAAACTAAATGGCACCAGCCTTTTGGTGGCCTGGAGCAGTGAAGCTGCTTTACA-3'